The following is an entry in ClinVar:

ClinVar aggregate classification (germline): Uncertain significance. Review status: criteria provided, multiple submitters, no conflicts (2 of 4 stars). 2 submissions from 2 submitters: Uncertain significance (2). Last evaluated 2025-12-03.

Conditions:
Cardiovascular phenotype. Identifiers: MedGen CN230736.
Hypercholesterolemia, autosomal dominant, type B (FHCL2). Also called: APOB-Related Familial Hypercholesterolemia, Autosomal Dominant; Familial Hypercholesterolemia Type B; APOLIPOPROTEIN B-100, FAMILIAL DEFECTIVE; APOLIPOPROTEIN B-100, FAMILIAL LIGAND-DEFECTIVE; HYPERCHOLESTEROLEMIA, FAMILIAL, DUE TO LIGAND-DEFECTIVE APOLIPOPROTEIN B; Hyperlipoproteinemia Type IIb. Identifiers: MedGen C1704417, MONDO:0007751, OMIM 144010.
Familial hypobetalipoproteinemia 1. Also called: Acanthocytosis with hypobetalipoproteinemia; APOB-Related Familial Hypobetalipoproteinemia; Hypobetalipoproteinemia, normotriglyceridemic. Identifiers: MedGen C4551990, MONDO:0014252, OMIM 615558.

Submissions (2):

Labcorp Genetics (formerly Invitae), Labcorp
Classification: Uncertain significance for Familial hypobetalipoproteinemia 1; Hypercholesterolemia, autosomal dominant, type B. Last evaluated: 2025-12-03. Review status: criteria provided, single submitter. Criteria: Invitae Variant Classification Sherloc (09022015). Collection method: clinical testing. Allele origin: germline.
Comment: This sequence change replaces glycine, which is neutral and non-polar, with arginine, which is basic and polar, at codon 997 of the APOB protein (p.Gly997Arg). This variant is not present in population databases (gnomAD no frequency). This variant has not been reported in the literature in individuals affected with APOB-related conditions. ClinVar contains an entry for this variant (Variation ID: 3127906). Invitae Evidence Modeling of protein sequence and biophysical properties (such as structural, functional, and spatial information, amino acid conservation, physicochemical variation, residue mobility, and thermodynamic stability) indicates that this missense variant is not expected to disrupt APOB protein function with a negative predictive value of 95%. In summary, the available evidence is currently insufficient to determine the role of this variant in disease. Therefore, it has been classified as a Variant of Uncertain Significance.

Ambry Genetics
Classification: Uncertain significance for Cardiovascular phenotype. Last evaluated: 2024-02-05. Review status: criteria provided, single submitter. Criteria: Ambry Variant Classification Scheme 2023. Collection method: clinical testing. Allele origin: germline.

NM_000384.3(APOB):c.2989G>C (p.Gly997Arg)

Gene: APOB (apolipoprotein B; minus strand). Cytogenetic location: 2p24.1.
Variant type: single nucleotide variant.
Coding change: c.2989G>C on transcript NM_000384.3 (MANE Select); coding-DNA position 2989, G replaced by C.
Protein change: p.Gly997Arg; replaces glycine 997 with arginine.
Molecular consequence: missense variant.
Genome position (GRCh38, 1-based): chr2:21,019,733, C>G on the plus strand (G>C on the coding strand, the complement: APOB is on the minus strand). VCF-style: chr2-21019733-C-G. GRCh37 (hg19) VCF-style: chr2-21242605-C-G.
Other names: short protein forms G997R.
Identifiers: ClinVar variation 3127906 (VCV003127906.2), dbSNP rs770789595, ClinGen allele CA346010092.